The following is an entry in ClinVar:

NM_000199.5(SGSH):c.1272_1282del (p.Tyr424_Arg428delinsTer)

Gene: SGSH (N-sulfoglucosamine sulfohydrolase; minus strand). Cytogenetic location: 17q25.3.
Variant type: Deletion.
Coding change: c.1272_1282del on transcript NM_000199.5 (MANE Select); coding-DNA positions 1272 to 1282, 11 bases deleted (CAAGGACCTCC).
Protein change: p.Tyr424_Arg428delinsTer.
Molecular consequence: nonsense. On other transcripts: 3 prime UTR variant (2), non-coding transcript variant (1).
Genome position (GRCh38, 1-based): chr17:80,210,679-80,210,689, GGAGGTCCTTG deleted on the plus strand (CAAGGACCTCC on the coding strand, the reverse complement: SGSH is on the minus strand). VCF-style (leftmost placement, unchanged base first): chr17-80210678-CGGAGGTCCTTG-C. GRCh37 (hg19) VCF-style: chr17-78184477-CGGAGGTCCTTG-C.
Other names: c.*359_*369del (NM_001352921.3); c.*322_*332del (NM_001352922.2); c.1272_1282delCAAGGACCTCC (NM_000199.3, NM_000199.4); c.1272_1282del11 (NM_000199.3); c.1272_1282del (NM_000199.3).
Identifiers: ClinVar variation 287037 (VCV000287037.31), dbSNP rs752914124, ClinGen allele CA8817628.

ClinVar aggregate classification (germline): Pathogenic/Likely pathogenic. Review status: criteria provided, multiple submitters, no conflicts (2 of 4 stars). 13 submissions from 13 submitters: Pathogenic (9); Likely pathogenic (1). 3 of the submissions do not count toward it. Last evaluated 2025-02-13.

Conditions:
Mucopolysaccharidosis, MPS-III-A (MPS3A). Also called: MUCOPOLYSACCHARIDOSIS, TYPE IIIA, ATTENUATED; Mucopolysaccharidosis type IIIA (Sanfilippo A); mucopolysaccharidosis type 3A; MPS IIIA (Sanfilippo Syndrome Type A); MPS III A; HEPARAN SULFATE SULFATASE DEFICIENCY. Identifiers: Orphanet 581, Orphanet 79269, MedGen C0086647, MONDO:0009655, OMIM 252900.
SGSH-related disorder. Also called: SGSH-related condition.
Developmental regression. Also called: C1836830. Identifiers: MedGen C1836830, HP:0002376.
Gastrointestinal dysmotility. Identifiers: MedGen C1836923, HP:0002579.
Severely reduced visual acuity. Also called: Severe visual impairment. Identifiers: MedGen C1301509, HP:0001141.
Nystagmus. Identifiers: MedGen C0028738, MONDO:0004843, HP:0000639.
Diarrhea. Identifiers: MedGen C0011991, HP:0002014.
Global developmental delay (DD). Also called: Cognitive delay. Identifiers: MedGen C0557874, HP:0001263. Disease mechanism: loss of function.
Retinal dystrophy. Also called: Inherited retinal dystrophy. Identifiers: Orphanet 71862, MedGen C0854723, MeSH D058499, MONDO:0019118, HP:0000556.
Inborn genetic diseases. Identifiers: MedGen C0950123, MeSH D030342.
Cone-rod dystrophy. Also called: Cone/cone-rod dystrophy; Cone-rod degeneration. Identifiers: Orphanet 1872, MedGen C4085590, MONDO:0015993, HP:0000548.

Allele frequency attached by ClinVar (database versions not stated): ExAC 0.00002; gnomAD exomes below 0.00001 and 0.00007.

Submissions (13):

Labcorp Genetics (formerly Invitae), Labcorp
Classification: Pathogenic for Mucopolysaccharidosis, MPS-III-A. Last evaluated: 2025-02-13. Review status: criteria provided, single submitter. Criteria: Invitae Variant Classification Sherloc (09022015). Collection method: clinical testing. Allele origin: germline.
Comment: This sequence change creates a premature translational stop signal (p.Tyr424*) in the SGSH gene. While this is not anticipated to result in nonsense mediated decay, it is expected to disrupt the last 79 amino acid(s) of the SGSH protein. This variant is present in population databases (rs752914124, gnomAD 0.0009%). This premature translational stop signal has been observed in individual(s) with SGSH-related conditions (PMID: 7493035, 27590925). ClinVar contains an entry for this variant (Variation ID: 287037). This variant disrupts a region of the SGSH protein in which other variant(s) (p.Trp471*) have been determined to be pathogenic (internal data). This suggests that this is a clinically significant region of the protein, and that variants that disrupt it are likely to be disease-causing. For these reasons, this variant has been classified as Pathogenic.

Blueprint Genetics
Classification: Likely pathogenic for SGSH-related disorders. Last evaluated: 2024-09-13. Review status: criteria provided, single submitter. Criteria: ACMG Guidelines, 2015. Collection method: clinical testing. Allele origin: germline. Affected: yes. Observed: 2 variant alleles.

Natera, Inc.
Classification: Pathogenic for Mucopolysaccharidosis type IIIA. Last evaluated: 2024-07-25. Review status: criteria provided, single submitter. Criteria: Natera Variant Classification Schema (03/2026). Collection method: clinical testing. Allele origin: germline.
Comment: The c.1272_1282delCAAGGACCTCC variant in SGSH is a frameshift variant predicted to shift the reading frame and introduce a stop codon. This variant is expected to result in nonsense mediated decay, truncation, or a dysfunctional protein product. This variant is rare in the general population with a frequency below the threshold expected for the associated phenotype(s). This variant has been observed in one or more individuals affected with the associated recessive disease, as either homozygous or compound heterozygous with a second variant (PMID: 27590925, 9285796). Given the available evidence, this variant is classified as Pathogenic.

Ambry Genetics
Classification: Pathogenic for Inborn genetic diseases. Last evaluated: 2024-07-22. Review status: criteria provided, single submitter. Criteria: Ambry Variant Classification Scheme 2023. Collection method: clinical testing. Allele origin: germline.
Comment: The c.1272_1282del11 (p.Y424*) alteration, located in exon 8 (coding exon 8) of the SGSH gene, consists of a deletion of 11 nucleotides from position 1272 to 1282, causing a translational frameshift with a predicted alternate stop codon after amino acids. This alteration occurs at the 3' terminus of the SGSH gene, is not expected to trigger nonsense-mediated mRNA decay, and only impacts the last 15.5% of the protein. However, premature stop codons are typically deleterious in nature, the impacted region is critical for protein function, and a significant portion of the protein is affected (Ambry internal data). Based on data from gnomAD, this allele has an overall frequency of <0.001% (1/250606) total alleles studied. The highest observed frequency was <0.001% (1/113066) of European (non-Finnish) alleles. This variant has been identified in conjunction with other SGSH variants in individuals with reduced enzyme activity and/or a diagnosis of mucopolysaccharidosis type IIIA (H&eacute;ron, 2011; Truxal, 2016; Sahajpal, 2023). Based on the available evidence, this alteration is classified as pathogenic.

Fulgent Genetics
Classification: Pathogenic for Mucopolysaccharidosis, MPS-III-A. Last evaluated: 2024-06-17. Review status: criteria provided, single submitter. Criteria: ACMG Guidelines, 2015. Collection method: clinical testing. Allele origin: germline.

Women's Health and Genetics/Laboratory Corporation of America, LabCorp
Classification: Pathogenic for Mucopolysaccharidosis, MPS-III-A. Last evaluated: 2021-12-23. Review status: criteria provided, single submitter. Criteria: LabCorp Variant Classification Summary - May 2015. Collection method: clinical testing. Allele origin: germline.
Comment: Variant summary: SGSH c.1272_1282del11 (p.Tyr424X) results in a premature termination codon, predicted to cause a truncation of the encoded protein or absence of the protein due to nonsense mediated decay, which are commonly known mechanisms for disease. Truncations downstream of this position have not been classified as pathogenic by our laboratory but have been reported in the HGMD database with a reported phenotype of Sanfillipo syndrome A. The variant allele was found at a frequency of 4e-06 in 250606 control chromosomes. c.1272_1282del11 has been reported in the literature in individuals affected with Mucopolysaccharidosis Type IIIA (Sanfilippo Syndrome A) (example, Scott_1997, Weber_1997). To our knowledge, no experimental evidence demonstrating an impact on protein function has been reported. Four clinical diagnostic laboratories have submitted clinical-significance assessments for this variant to ClinVar after 2014 without evidence for independent evaluation. All laboratories classified the variant as pathogenic. Based on the evidence outlined above, the variant was classified as pathogenic.

Genome-Nilou Lab
Classification: Pathogenic for Mucopolysaccharidosis, MPS-III-A. Last evaluated: 2021-11-07. Review status: criteria provided, single submitter. Criteria: ACMG Guidelines, 2015. Collection method: clinical testing. Allele origin: germline. Affected: no.

Cambridge Genomics Laboratory, East Genomic Laboratory Hub, NHS Genomic Medicine Service
Classification: Pathogenic for Cone-rod dystrophy. Last evaluated: 2020-03-27. Review status: criteria provided, single submitter. Criteria: ACGS Best Practice Guidelines for Variant Classification in Rare Disease 2020. Collection method: clinical testing. Allele origin: germline. Affected: yes. Observed: 1 variant allele.

GeneDx
Classification: Pathogenic. Last evaluated: 2018-04-20. Review status: criteria provided, single submitter. Criteria: GeneDx Variant Classification (06012015). Collection method: clinical testing. Allele origin: germline. Affected: yes.
Comment: The c.1272_1282del11 variant in the SGSH gene has been reported previously in association with Sanfilippo Syndrome A, also known as MPS IIIA (Scott et al., 1995; Truxal et al., 2016). It is reported as pathogenic in ClinVar by a different clinical laboratory, but additional evidence is not available (ClinVar SCV000340680.2; Landrum et al., 2016). The c.1272_1282del11 variant causes a frameshift, changing codon Tyrosine 424 to a premature Stop codon, which eliminates the last 79 amino acids from the protein, and is denoted p.Tyr424Ter. This variant is predicted to cause loss of normal protein function through protein truncation. The c.1272_1282del11 variant is not observed at a significant frequency in large population cohorts (Lek et al., 2016). We interpret c.1272_1282del11 as a pathogenic variant.

Eurofins Ntd Llc (ga)
Classification: Pathogenic. Last evaluated: 2016-03-25. Review status: criteria provided, single submitter. Criteria: EGL Classification Definitions 2015. Collection method: clinical testing. Allele origin: germline. Observed: 1 variant allele, 1 heterozygote.

Counsyl
Classification: Pathogenic for Mucopolysaccharidosis, MPS-III-A. Last evaluated: 2018-02-27. Review status: no assertion criteria provided. Collection method: clinical testing. Allele origin: unknown. Not counted in ClinVar's aggregate classification.

OMIM
Classification: Pathogenic for MUCOPOLYSACCHARIDOSIS, TYPE IIIA. Last evaluated: 1997-05-01. Review status: no assertion criteria provided. Collection method: literature only. Allele origin: germline. Not counted in ClinVar's aggregate classification.

NIHR Bioresource Rare Diseases, University of Cambridge
Classification: Pathogenic for Retinal dystrophy; Nystagmus; Severely reduced visual acuity; Global developmental delay; Diarrhea; Developmental regression; Gastrointestinal dysmotility. Review status: no assertion criteria provided. Collection method: research. Allele origin: unknown. Affected: yes. Observed: 1 variant allele. Not counted in ClinVar's aggregate classification.

Literature cited by the submitters: PubMed 7493035 (cited by 3 submitters); PubMed 27590925 (cited by 3 submitters); PubMed 9285796 (cited by 3 submitters); PubMed 21204211 (cited by Ambry Genetics); PubMed 37430334 (cited by Ambry Genetics); PubMed 9158154 (cited by OMIM); PubMed 32581362 (cited by NIHR Bioresource Rare Diseases, University of Cambridge).